The following is an entry in ClinVar:

NM_006030.4(CACNA2D2):c.1387C>T (p.Gln463Ter)

Gene: CACNA2D2 (calcium voltage-gated channel auxiliary subunit alpha2delta 2; minus strand). Cytogenetic location: 3p21.31.
Variant type: single nucleotide variant.
Coding change: c.1387C>T on transcript NM_006030.4 (MANE Select); coding-DNA position 1387, C replaced by T.
Protein change: p.Gln463Ter; replaces glutamine 463 with a stop codon.
Molecular consequence: nonsense.
Genome position (GRCh38, 1-based): chr3:50,378,286, G>A on the plus strand (C>T on the coding strand, the complement: CACNA2D2 is on the minus strand). VCF-style: chr3-50378286-G-A. GRCh37 (hg19) VCF-style: chr3-50415717-G-A.
Other names: c.1387C>T, p.Gln463Ter (NM_001005505.3, NM_001174051.3, NM_001410768.1); c.1180C>T, p.Gln394Ter (NM_001291101.1); short protein forms Q394*, Q463*.
Identifiers: ClinVar variation 2864825 (VCV002864825.3), dbSNP rs1197198353, ClinGen allele CA352930062.

ClinVar aggregate classification (germline): Pathogenic (1 of 4 stars; one submission).

Conditions:
Early-infantile DEE. Also called: Ohtahara syndrome; Early infantile epileptic encephalopathy with suppression bursts; Early infantile epileptic encephalopathy. Identifiers: Orphanet 1934, MedGen C0393706, MONDO:0800491.

Submission:

Labcorp Genetics (formerly Invitae), Labcorp
Classification: Pathogenic for Early-infantile DEE. Last evaluated: 2023-05-16. Review status: criteria provided, single submitter. Criteria: Invitae Variant Classification Sherloc (09022015). Collection method: clinical testing. Allele origin: germline.
Comment: This sequence change creates a premature translational stop signal (p.Gln463*) in the CACNA2D2 gene. It is expected to result in an absent or disrupted protein product. Loss-of-function variants in CACNA2D2 are known to be pathogenic (PMID: 24358150). For these reasons, this variant has been classified as Pathogenic. This variant has not been reported in the literature in individuals affected with CACNA2D2-related conditions. The frequency data for this variant in the population databases is considered unreliable, as metrics indicate poor data quality at this position in the gnomAD database.

Literature cited by the submitters: PubMed 24358150.